The following is an entry in ClinVar:

NM_205768.3(ZBTB18):c.1102G>A (p.Val368Ile)

Gene: ZBTB18 (zinc finger and BTB domain containing 18; plus strand). Cytogenetic location: 1q44.
Variant type: single nucleotide variant.
Coding change: c.1102G>A on transcript NM_205768.3 (MANE Select); coding-DNA position 1102, G replaced by A.
Protein change: p.Val368Ile; replaces valine 368 with isoleucine.
Molecular consequence: missense variant. On other transcripts: 3 prime UTR variant (1).
Genome position (GRCh38, 1-based): chr1:244,054,876, G>A. VCF-style: chr1-244054876-G-A. GRCh37 (hg19) VCF-style: chr1-244218178-G-A.
Other names: c.1075G>A, p.Val359Ile (NM_001278196.2, NM_006352.5); c.*279G>A (NM_001421566.1); short protein forms V368I, V359I.
Identifiers: ClinVar variation 4750111 (VCV004750111.1).

ClinVar aggregate classification (germline): Uncertain significance (1 of 4 stars; one submission).

Submission:

Labcorp Genetics (formerly Invitae), Labcorp
Classification: Uncertain significance. Last evaluated: 2025-09-07. Review status: criteria provided, single submitter. Criteria: Invitae Variant Classification Sherloc (09022015). Collection method: clinical testing. Allele origin: germline.
Comment: This sequence change replaces valine, which is neutral and non-polar, with isoleucine, which is neutral and non-polar, at codon 368 of the ZBTB18 protein (p.Val368Ile). This variant is present in population databases (no rsID available, gnomAD 0.0009%). This missense change has been observed in individual(s) with neurodevelopmental disorder (PMID: 31238879). An algorithm developed to predict the effect of missense changes on protein structure and function (PolyPhen-2) suggests that this variant is likely to be disruptive. In summary, the available evidence is currently insufficient to determine the role of this variant in disease. Therefore, it has been classified as a Variant of Uncertain Significance.

Literature cited by the submitters: PubMed 31238879.